The following is an entry in ClinVar:

ClinVar aggregate classification (germline): Conflicting classifications of pathogenicity. Review status: criteria provided, conflicting classifications (1 of 4 stars). 6 submissions from 6 submitters: Pathogenic (1); Likely pathogenic (1); Uncertain significance (2); Likely benign (1). 1 of the submissions does not count toward it. Last evaluated 2026-08-01.

Conditions:
CNGB3-related disorder. Also called: CNGB3-related disorders; CNGB3-related condition. Identifiers: MedGen CN239340.
Achromatopsia 3 (ACHM3). Also called: ACHROMATOPSIA WITH MYOPIA; PINGELAPESE BLINDNESS; TOTAL COLORBLINDNESS WITH MYOPIA; ROD MONOCHROMACY 1; ROD MONOCHROMATISM 1. Identifiers: Orphanet 49382, MedGen C1849792, MONDO:0009875, OMIM 262300.

Allele frequency attached by ClinVar (database versions not stated): gnomAD 0.00009; 1000 Genomes Project 0.00020; TOPMed 0.00021; 1000 Genomes Project 30x 0.00031; ExAC 0.00036.
gnomAD v4.1: 172 of 1,613,916 alleles (0.011%); highest among the groups gnomAD compares: Admixed American, 0.19%; no homozygotes.

Submissions (6):

PreventionGenetics, part of Exact Sciences
Classification: Pathogenic for CNGB3-related condition. Last evaluated: 2026-08-01. Review status: criteria provided, single submitter. Criteria: ACMG Guidelines, 2015. Collection method: clinical testing. Allele origin: germline.
Comment: The CNGB3 c.2086C>T variant is predicted to result in premature protein termination (p.Arg696*). This variant has been reported along with a second CNGB3 variant in an individual with retinal/cone-rod dystrophy (Table S1, Yohe et al. 2020. PubMed ID: 31816670). This variant is present in 0.31% of alleles in individuals of Latino descent in gnomAD, indicating it is relatively common in this population. Nonsense variants in CNGB3 are an established mechanism of disease. This variant is interpreted as pathogenic.

Labcorp Genetics (formerly Invitae), Labcorp
Classification: Likely benign. Last evaluated: 2026-01-12. Review status: criteria provided, single submitter. Criteria: Invitae Variant Classification Sherloc (09022015). Collection method: clinical testing. Allele origin: germline.

Blueprint Genetics
Classification: Uncertain significance. Last evaluated: 2024-08-05. Review status: criteria provided, single submitter. Criteria: ACMG Guidelines, 2015. Collection method: clinical testing. Allele origin: germline.

Fulgent Genetics
Classification: Likely pathogenic for Achromatopsia 3. Last evaluated: 2024-06-07. Review status: criteria provided, single submitter. Criteria: ACMG Guidelines, 2015. Collection method: clinical testing. Allele origin: germline.

GeneDx
Classification: Uncertain significance. Last evaluated: 2023-05-03. Review status: criteria provided, single submitter. Criteria: GeneDx Variant Classification Process June 2021. Collection method: clinical testing. Allele origin: germline. Affected: yes.
Comment: Nonsense variant predicted to result in protein truncation, as the last 114 amino acids are lost, and other loss-of-function variants have been reported downstream in HGMD; This variant is associated with the following publications: (PMID: 31589614, 31816670)

Counsyl
Classification: Likely pathogenic for Achromatopsia 3. Last evaluated: 2014-01-02. Review status: no assertion criteria provided. Collection method: clinical testing. Allele origin: unknown. Not counted in ClinVar's aggregate classification.

NM_019098.5(CNGB3):c.2086C>T (p.Arg696Ter)

Gene: CNGB3 (cyclic nucleotide gated channel subunit beta 3; minus strand). Cytogenetic location: 8q21.3.
Variant type: single nucleotide variant.
Coding change: c.2086C>T on transcript NM_019098.5 (MANE Select); coding-DNA position 2086, C replaced by T.
Protein change: p.Arg696Ter; replaces arginine 696 with a stop codon.
Molecular consequence: nonsense.
Genome position (GRCh38, 1-based): chr8:86,578,706, G>A on the plus strand (C>T on the coding strand, the complement: CNGB3 is on the minus strand). VCF-style: chr8-86578706-G-A. GRCh37 (hg19) VCF-style: chr8-87590934-G-A.
Other names: short protein forms R696*.
Identifiers: ClinVar variation 487439 (VCV000487439.19), dbSNP rs192448853, ClinGen allele CA4799814.
Genomic context (GRCh38, chr8:86,578,706, plus strand): 5'-GGGCCTTCTCCATGACAGCCGTCCATTCACTCCACCTTATTACCTGAGCTGCTTGCTCTC[G>A]CTTCAATTTGAGTAGTCTTGCAAGACTTGCTTTTCCTGTGCCTCCTAGGAGAGTTTTAAA-3'